The following is an entry in ClinVar:

NM_001010870.3(TDRD6):c.1718G>A (p.Gly573Asp)

Gene: TDRD6 (tudor domain containing 6; plus strand). Cytogenetic location: 6p12.3.
Variant type: single nucleotide variant.
Coding change: c.1718G>A on transcript NM_001010870.3 (MANE Select); coding-DNA position 1718, G replaced by A.
Protein change: p.Gly573Asp; replaces glycine 573 with aspartic acid.
Molecular consequence: missense variant.
Genome position (GRCh38, 1-based): chr6:46,689,846, G>A. VCF-style: chr6-46689846-G-A. GRCh37 (hg19) VCF-style: chr6-46657583-G-A.
Other names: c.1718G>A, p.Gly573Asp (NM_001168359.2); short protein forms G573D.
Identifiers: ClinVar variation 4533388 (VCV004533388.1).
Genomic context (GRCh38, chr6:46,689,846, plus strand): 5'-ATAGGGCCATAGTCACCAAATTGGATGACAAGAGTGTGGATGTATTCTTAGTTGACCGAG[G>A]CAATTCGGAAAATGTGGACTGGTATGACGTAAGGATGCTGCTTCCTCAGTTTAGGCAGCT-3'
Protein context (NP_001010870.1, residues 563-583): KSVDVFLVDR[Gly573Asp]NSENVDWYDV

ClinVar aggregate classification (germline): Uncertain significance (1 of 4 stars; one submission).

Conditions:
Male infertility. Identifiers: MedGen C0021364, MeSH D007248, MONDO:0005372, HP:0003251.

gnomAD v4.1: 1 of 1,614,180 alleles (0.000062%); highest among the groups gnomAD compares: Non-Finnish European, 0.000085%; no homozygotes.

Submission:

Institute of Reproductive Genetics, University of Münster
Classification: Uncertain significance for Male infertility. Last evaluated: 2025-12-03. Review status: criteria provided, single submitter. Criteria: Uk Practice Guidelines For Variant Classification V4 01 2020. Collection method: research. Allele origin: germline. Affected: yes. Observed: 1 variant allele.
Comment: The NM_001010870.3:c.1718G>A, is a missense variant in TDRD6 which results in the substitution of a glycine at position 573 by aspartic acid. This variant is rare in gnomAD (PM2_sup); version 4.1.1 and multiple lines of computational evidence support a deleterious effect on gene product (PP3). In summary, this variant meets criteria to be classified as variant of uncertain significance for male infertility based on the ACMG/ criteria applied, as specified by the Uk Best Practice Guidelines For Variant Classification (PM3, PM2_sup, PP3).